The following is an entry in ClinVar:

NM_001378452.1(ITPR1):c.1002C>A (p.Asp334Glu)

Gene: ITPR1 (inositol 1,4,5-trisphosphate receptor type 1; plus strand). Cytogenetic location: 3p26.1.
Variant type: single nucleotide variant.
Coding change: c.1002C>A on transcript NM_001378452.1 (MANE Select); coding-DNA position 1002, C replaced by A.
Protein change: p.Asp334Glu; replaces aspartic acid 334 with glutamic acid.
Molecular consequence: missense variant.
Genome position (GRCh38, 1-based): chr3:4,658,129, C>A. VCF-style: chr3-4658129-C-A. GRCh37 (hg19) VCF-style: chr3-4699813-C-A.
Other names: c.1002C>A, p.Asp334Glu (NM_001099952.4); c.957C>A, p.Asp319Glu (NM_001168272.2, NM_002222.7); c.957C>A (NM_002222.5); short protein forms D319E, D334E.
Identifiers: ClinVar variation 2432935 (VCV002432935.6), dbSNP rs539511625, ClinGen allele CA2231065.

ClinVar aggregate classification (germline): Uncertain significance. Review status: criteria provided, multiple submitters, no conflicts (2 of 4 stars). 3 submissions from 3 submitters: Uncertain significance (3). Last evaluated 2025-08-08.

Conditions:
Inborn genetic diseases. Identifiers: MedGen C0950123, MeSH D030342.

Allele frequency attached by ClinVar (database versions not stated): gnomAD 0.00003; 1000 Genomes Project 30x 0.00031; 1000 Genomes Project 0.00040.
gnomAD v4.1: 30 of 1,611,576 alleles (0.0019%); highest among the groups gnomAD compares: South Asian, 0.031%; no homozygotes.

Submissions (3):

Ambry Genetics
Classification: Uncertain significance for Inborn genetic diseases. Last evaluated: 2025-08-08. Review status: criteria provided, single submitter. Criteria: Ambry Variant Classification Scheme 2023. Collection method: clinical testing. Allele origin: germline.

Labcorp Genetics (formerly Invitae), Labcorp
Classification: Uncertain significance. Last evaluated: 2024-09-21. Review status: criteria provided, single submitter. Criteria: Invitae Variant Classification Sherloc (09022015). Collection method: clinical testing. Allele origin: germline.
Comment: This sequence change replaces aspartic acid, which is acidic and polar, with glutamic acid, which is acidic and polar, at codon 319 of the ITPR1 protein (p.Asp319Glu). This variant is present in population databases (rs539511625, gnomAD 0.02%). This variant has not been reported in the literature in individuals affected with ITPR1-related conditions. ClinVar contains an entry for this variant (Variation ID: 2432935). Invitae Evidence Modeling of protein sequence and biophysical properties (such as structural, functional, and spatial information, amino acid conservation, physicochemical variation, residue mobility, and thermodynamic stability) indicates that this missense variant is not expected to disrupt ITPR1 protein function with a negative predictive value of 95%. In summary, the available evidence is currently insufficient to determine the role of this variant in disease. Therefore, it has been classified as a Variant of Uncertain Significance.

Revvity Omics, Revvity
Classification: Uncertain significance. Last evaluated: 2019-02-06. Review status: criteria provided, single submitter. Criteria: ACMG Guidelines, 2015. Collection method: clinical testing. Allele origin: germline.